The following is an entry in ClinVar:

ClinVar aggregate classification (germline): Likely benign. Review status: criteria provided, multiple submitters, no conflicts (2 of 4 stars). 3 submissions from 3 submitters: Likely benign (3). Last evaluated 2026-08-01.

Allele frequency attached by ClinVar (database versions not stated): 1000 Genomes Project 30x 0.00078; 1000 Genomes Project 0.00080; TOPMed 0.00179; ESP Exome Variant Server 0.00254; gnomAD 0.00294 and 0.00306.
gnomAD v4.1: 4,547 of 1,613,622 alleles (0.28%); highest among the groups gnomAD compares: Non-Finnish European, 0.29%; 22 homozygotes.

Submissions (3):

CeGaT Center for Human Genetics Tuebingen
Classification: Likely benign. Last evaluated: 2026-08-01. Review status: criteria provided, single submitter. Criteria: CeGaT Center For Human Genetics Tuebingen Variant Classification Criteria Version 2. Collection method: clinical testing. Allele origin: germline. Affected: yes. Observed: 3 variant alleles.
Comment: FLG: BP4, BS2

GeneDx
Classification: Likely benign. Last evaluated: 2018-07-05. Review status: criteria provided, single submitter. Criteria: GeneDx Variant Classification Process June 2021. Collection method: clinical testing. Allele origin: germline. Affected: yes.

Breakthrough Genomics
Classification: Likely benign. Review status: criteria provided, single submitter. Criteria: ACMG Guidelines, 2015. Collection method: not provided. Allele origin: germline. Inheritance: Autosomal dominant inheritance. Affected: yes.

NM_002016.2(FLG):c.2414C>T (p.Ser805Phe)

Genes: CCDST (cervical cancer associated DHX9 suppressive transcript; plus strand), FLG (filaggrin; minus strand). Cytogenetic location: 1q21.3.
Variant type: single nucleotide variant.
Coding change: c.2414C>T on transcript NM_002016.2 (MANE Select); coding-DNA position 2414, C replaced by T.
Protein change: p.Ser805Phe; replaces serine 805 with phenylalanine.
Molecular consequence: missense variant.
Genome position (GRCh38, 1-based): chr1:152,312,472, G>A on the plus strand (C>T on the coding strand, the complement: FLG is on the minus strand). VCF-style: chr1-152312472-G-A. GRCh37 (hg19) VCF-style: chr1-152284948-G-A.
Other names: short protein forms S805F.
Identifiers: ClinVar variation 1208753 (VCV001208753.20), dbSNP rs72698904, ClinGen allele CA1107185.
Genomic context (GRCh38, chr1:152,312,472, plus strand): 5'-GCCTGCTCATGGTGGGATCCTTGTCTTACTCCAGTGCTGGGCCCTGTCCATCCATGGGAG[G>A]ACTCAGACTGTTTATGAGTGCTCACCTGGTAGAGGAAAGACCCTGAACGTCGAGACCTTT-3'
Protein context (NP_002007.1, residues 795-815): YQVSTHKQSE[Ser805Phe]SHGWTGPSTG